The following is an entry in ClinVar:

NM_033026.6(PCLO):c.3183C>T (p.Leu1061=)

Gene: PCLO (piccolo presynaptic cytomatrix protein; minus strand). Cytogenetic location: 7q21.11.
Variant type: single nucleotide variant.
Coding change: c.3183C>T on transcript NM_033026.6 (MANE Select); coding-DNA position 3183, C replaced by T.
Protein change: p.Leu1061=; no amino-acid change (leucine 1061 retained).
Molecular consequence: synonymous variant.
Genome position (GRCh38, 1-based): chr7:83,134,367, G>A on the plus strand (C>T on the coding strand, the complement: PCLO is on the minus strand). VCF-style: chr7-83134367-G-A. GRCh37 (hg19) VCF-style: chr7-82763683-G-A.
Other names: c.3183C>T, p.Leu1061= (NM_014510.3); c.3183C>T (NM_033026.5).
Identifiers: ClinVar variation 1643402 (VCV001643402.9), dbSNP rs377681612, ClinGen allele CA161171622.

ClinVar aggregate classification (germline): Likely benign. Review status: criteria provided, multiple submitters, no conflicts (2 of 4 stars). 2 submissions from 2 submitters: Likely benign (2). Last evaluated 2026-01-11.

Conditions:
PCLO-related disorder. Also called: PCLO-related condition.

gnomAD v4.1: 6 of 1,613,684 alleles (0.00037%); highest among the groups gnomAD compares: African/African-American, 0.0027%; no homozygotes.

Submissions (2):

Labcorp Genetics (formerly Invitae), Labcorp
Classification: Likely benign. Last evaluated: 2026-01-11. Review status: criteria provided, single submitter. Criteria: Invitae Variant Classification Sherloc (09022015). Collection method: clinical testing. Allele origin: germline.

PreventionGenetics, part of Exact Sciences
Classification: Likely benign for PCLO-related condition. Last evaluated: 2019-07-15. Review status: criteria provided, single submitter. Criteria: ACMG Guidelines, 2015. Collection method: clinical testing. Allele origin: germline.
Comment: This variant is classified as likely benign based on ACMG/AMP sequence variant interpretation guidelines (Richards et al. 2015 PMID: 25741868, with internal and published modifications).